The following is an entry in ClinVar:

NM_006180.6(NTRK2):c.1464C>T (p.Ser488=)

Gene: NTRK2 (neurotrophic receptor tyrosine kinase 2; plus strand). Cytogenetic location: 9q21.33.
Variant type: single nucleotide variant.
Coding change: c.1464C>T on transcript NM_006180.6 (MANE Select); coding-DNA position 1464, C replaced by T.
Protein change: p.Ser488=; no amino-acid change (serine 488 retained).
Molecular consequence: synonymous variant.
Genome position (GRCh38, 1-based): chr9:84,867,262, C>T. VCF-style: chr9-84867262-C-T. GRCh37 (hg19) VCF-style: chr9-87482177-C-T.
Other names: c.1416C>T, p.Ser472= (NM_001018064.3, NM_001018066.3, NM_001369532.1 and 2 more transcripts); c.1464C>T, p.Ser488= (NM_001018065.2, NM_001369537.1); c.1380C>T, p.Ser460= (NM_001369534.1); c.948C>T, p.Ser316= (NM_001369535.1); c.996C>T, p.Ser332= (NM_001369536.1).
Identifiers: ClinVar variation 3348658 (VCV003348658.3).

ClinVar aggregate classification (germline): Likely benign. Review status: criteria provided, single submitter (1 of 4 stars). 2 submissions from 2 submitters: Likely benign (1). 1 of the submissions does not count toward it. Last evaluated 2024-11-13.

Conditions:
NTRK2-related disorder. Also called: NTRK2-related condition.

gnomAD v4.1: 12 of 1,614,006 alleles (0.00074%); highest among the groups gnomAD compares: Non-Finnish European, 0.001%; no homozygotes.

Submissions (2):

Labcorp Genetics (formerly Invitae), Labcorp
Classification: Likely benign. Last evaluated: 2024-11-13. Review status: criteria provided, single submitter. Criteria: Invitae Variant Classification Sherloc (09022015). Collection method: clinical testing. Allele origin: germline.

PreventionGenetics, part of Exact Sciences
Classification: Likely benign for NTRK2-related condition. Last evaluated: 2021-04-05. Review status: no assertion criteria provided. Collection method: clinical testing. Allele origin: germline. Not counted in ClinVar's aggregate classification.
Comment: This variant is classified as likely benign based on ACMG/AMP sequence variant interpretation guidelines (Richards et al. 2015 PMID: 25741868, with internal and published modifications).